The following is an entry in ClinVar:

NM_000404.4(GLB1):c.380G>T (p.Cys127Phe)

Gene: GLB1 (galactosidase beta 1; minus strand). Cytogenetic location: 3p22.3.
Variant type: single nucleotide variant.
Coding change: c.380G>T on transcript NM_000404.4 (MANE Select); coding-DNA position 380, G replaced by T.
Protein change: p.Cys127Phe; replaces cysteine 127 with phenylalanine.
Molecular consequence: missense variant. On other transcripts: intron variant (1).
Genome position (GRCh38, 1-based): chr3:33,068,836, C>A on the plus strand (G>T on the coding strand, the complement: GLB1 is on the minus strand). VCF-style: chr3-33068836-C-A. GRCh37 (hg19) VCF-style: chr3-33110328-C-A.
Other names: c.290G>T, p.Cys97Phe (NM_001079811.3); c.524G>T, p.Cys175Phe (NM_001317040.2); c.380G>T, p.Cys127Phe (NM_001393580.1); c.246-3279G>T (NM_001135602.3); short protein forms C127F, C97F, C175F.
Identifiers: ClinVar variation 1485842 (VCV001485842.13), dbSNP rs1699791081, ClinGen allele CA351994543.

ClinVar aggregate classification (germline): Conflicting classifications of pathogenicity. Review status: criteria provided, conflicting classifications (1 of 4 stars). 4 submissions from 4 submitters: Likely pathogenic (3); Uncertain significance (1). Last evaluated 2026-09-01.

Conditions:
Mucopolysaccharidosis, MPS-IV-B (MPS4B). Also called: Mucopolysaccharidosis Type IVB (Morquio B Disease); MORQUIO SYNDROME B; Mucopolysaccharidosis type IVB (Morquio); MPS IVB; Mucopolysaccharidosis type IV B; Mucopolysaccharidosis Type IVB. Identifiers: Orphanet 309310, Orphanet 582, MedGen C0086652, MONDO:0009660, OMIM 253010.
GM1 gangliosidosis. Identifiers: Orphanet 354, MedGen C0085131, MONDO:0018149.
Infantile GM1 gangliosidosis. Also called: GM1-gangliosidosis, type I; Gangliosidosis, generalized GM1, infantile form; GLB1 deficiency; GM1 gangliosidosis type 1; Gangliosidosis, Generalized GM1, Type 1. Identifiers: Orphanet 354, Orphanet 79255, MedGen C0268271, MONDO:0009260, OMIM 230500.
GM1 gangliosidosis type 3. Also called: Beta-galactosidase deficiency; Adult GM1 gangliosidosis; Type 3 (adult) GM1 gangliosidosis; GM1-GANGLIOSIDOSIS, TYPE III; Gangliosidosis, Generalized GM1, Type 3; GANGLIOSIDOSIS, GENERALIZED GM1, ADULT TYPE. Identifiers: Orphanet 79257, MedGen C0268273, MONDO:0009262, OMIM 230650.
GM1 gangliosidosis type 2. Also called: Juvenile GM>1< gangliosidosis; GM1-GANGLIOSIDOSIS, TYPE II; Gangliosidosis, Generalized GM1, Type 2; GANGLIOSIDOSIS, GENERALIZED GM1, JUVENILE TYPE; GANGLIOSIDOSIS, GENERALIZED GM1, TYPE II. Identifiers: Orphanet 354, Orphanet 79256, MedGen C0268272, MONDO:0009261, OMIM 230600.

Allele frequency attached by ClinVar (database versions not stated): TOPMed below 0.00001; gnomAD 0.00001.
gnomAD v4.1: 1 of 1,613,990 alleles (0.000062%); highest among the groups gnomAD compares: Admixed American, 0.0017%; no homozygotes.

Submissions (4):

CeGaT Center for Human Genetics Tuebingen
Classification: Likely pathogenic. Last evaluated: 2026-09-01. Review status: criteria provided, single submitter. Criteria: CeGaT Center For Human Genetics Tuebingen Variant Classification Criteria Version 2. Collection method: clinical testing. Allele origin: germline. Affected: yes. Observed: 1 variant allele.
Comment: GLB1: PM2, PM5, PM3:Supporting, PP3

Women's Health and Genetics/Laboratory Corporation of America, LabCorp
Classification: Uncertain significance. Last evaluated: 2025-07-25. Review status: criteria provided, single submitter. Criteria: LabCorp Variant Classification Summary - May 2015. Collection method: clinical testing. Allele origin: germline.
Comment: Variant summary: GLB1 c.380G>T (p.Cys127Phe) results in a non-conservative amino acid change located in the Glycoside hydrolase 35, catalytic domain (IPR031330) of the encoded protein sequence. Algorithms developed to predict the effect of missense changes on protein structure and function all suggest that this variant is likely to be disruptive. The variant was absent in 249502 control chromosomes. The available data on variant occurrences in the general population are insufficient to allow any conclusion about variant significance. c.380G>T has been observed in individual(s) affected with GM1 Gangliosidosis (Gheldof_2019). These data do not allow any conclusion about variant significance. A different variant affecting the same codon has been classified as likely pathogenic/pathogenic by our lab (c.380G>A, p.Cys127Tyr), supporting the critical relevance of codon 127 to GLB1 protein function. To our knowledge, no experimental evidence demonstrating an impact on protein function has been reported. The following publication have been ascertained in the context of this evaluation (PMID: 30548430). ClinVar contains an entry for this variant (Variation ID: 1485842). Based on the evidence outlined above, the variant was classified as VUS-possibly pathogenic.

Fulgent Genetics
Classification: Likely pathogenic for Infantile GM1 gangliosidosis; GM1 gangliosidosis type 2; GM1 gangliosidosis type 3; Mucopolysaccharidosis, MPS-IV-B. Last evaluated: 2024-03-13. Review status: criteria provided, single submitter. Criteria: ACMG Guidelines, 2015. Collection method: clinical testing. Allele origin: germline.

Labcorp Genetics (formerly Invitae), Labcorp
Classification: Likely pathogenic for Mucopolysaccharidosis, MPS-IV-B; GM1 gangliosidosis. Last evaluated: 2023-04-26. Review status: criteria provided, single submitter. Criteria: Invitae Variant Classification Sherloc (09022015). Collection method: clinical testing. Allele origin: germline.
Comment: In summary, the currently available evidence indicates that the variant is pathogenic, but additional data are needed to prove that conclusively. Therefore, this variant has been classified as Likely Pathogenic. This variant disrupts the p.Cys127 amino acid residue in GLB1. Other variant(s) that disrupt this residue have been determined to be pathogenic (PMID: 20175788). This suggests that this residue is clinically significant, and that variants that disrupt this residue are likely to be disease-causing. Advanced modeling of protein sequence and biophysical properties (such as structural, functional, and spatial information, amino acid conservation, physicochemical variation, residue mobility, and thermodynamic stability) performed at Invitae indicates that this missense variant is expected to disrupt GLB1 protein function. ClinVar contains an entry for this variant (Variation ID: 1485842). This missense change has been observed in individual(s) with clinical features of GLB1-related conditions (PMID: 30548430). This variant is not present in population databases (gnomAD no frequency). This sequence change replaces cysteine, which is neutral and slightly polar, with phenylalanine, which is neutral and non-polar, at codon 127 of the GLB1 protein (p.Cys127Phe).

Literature cited by the submitters: PubMed 30548430 (cited by Women's Health and Genetics/Laboratory Corporation of America, LabCorp and Labcorp Genetics (formerly Invitae), Labcorp); PubMed 20175788 (cited by Labcorp Genetics (formerly Invitae), Labcorp).